The following is an entry in ClinVar:

NM_001927.4(DES):c.204_205delinsAT (p.Ser68_Leu69=)

Gene: DES (desmin; plus strand). Cytogenetic location: 2q35.
Variant type: Indel.
Coding change: c.204_205delinsAT on transcript NM_001927.4 (MANE Select); coding-DNA positions 204 to 205, GC replaced by AT.
Protein change: p.Ser68_Leu69=.
Molecular consequence: synonymous variant.
Genome position (GRCh38, 1-based): chr2:219,418,666-219,418,667, GC replaced by AT. VCF-style: chr2-219418666-GC-AT. GRCh37 (hg19) VCF-style: chr2-220283388-GC-AT.
Other names: c.204_205delinsAT, p.Ser68_Leu69= (NM_001382708.1, NM_001382709.1, NM_001382710.1 and 3 more transcripts).
Identifiers: ClinVar variation 2933810 (VCV002933810.4), dbSNP rs2545246557, ClinGen allele CA2740096472.
Genomic context (GRCh38, chr2:219,418,666, plus strand): 5'-GGTGACGTCCCGCGTGTACCAGGTGTCGCGCACGTCGGGCGGGGCCGGGGGCCTGGGGTC[GC>AT]TGCGGGCCAGCCGGCTGGGGACCACCCGCACGCCCTCCTCCTACGGCGCAGGCGAGCTGC-3'

ClinVar aggregate classification (germline): Conflicting classifications of pathogenicity. Review status: criteria provided, conflicting classifications (1 of 4 stars). 2 submissions from 2 submitters: Uncertain significance (1); Likely benign (1). Last evaluated 2025-09-15.

Conditions:
Desmin-related myofibrillar myopathy (MFM1). Also called: Desminopathy; Desmin related myopathy (former name); Desmin storage myopathy (former name); MYOFIBRILLAR MYOPATHY WITH ARRHYTHMOGENIC RIGHT VENTRICULAR CARDIOMYOPATHY; Myofibrillar myopathy 1; DESMIN-RELATED MYOPATHY WITH ARRHYTHMOGENIC RIGHT VENTRICULAR CARDIOMYOPATHY. Identifiers: Orphanet 363543, Orphanet 98909, MedGen C1832370, MONDO:0011076, OMIM 601419.
Cardiovascular phenotype. Identifiers: MedGen CN230736.

Submissions (2):

Ambry Genetics
Classification: Likely benign for Cardiovascular phenotype. Last evaluated: 2025-09-15. Review status: criteria provided, single submitter. Criteria: Ambry Variant Classification Scheme 2023. Collection method: clinical testing. Allele origin: germline.

Labcorp Genetics (formerly Invitae), Labcorp
Classification: Uncertain significance for Desmin-related myofibrillar myopathy. Last evaluated: 2024-01-30. Review status: criteria provided, single submitter. Criteria: Invitae Variant Classification Sherloc (09022015). Collection method: clinical testing. Allele origin: germline.
Comment: This sequence change affects codon 68 of the DES mRNA. It is a 'silent' change, meaning that it does not change the encoded amino acid sequence of the DES protein. Information on the frequency of this variant in the gnomAD database is not available, as this variant may be reported differently in the database. This variant has not been reported in the literature in individuals affected with DES-related conditions. Experimental studies and prediction algorithms are not available or were not evaluated, and the functional significance of this variant is currently unknown. In summary, the available evidence is currently insufficient to determine the role of this variant in disease. Therefore, it has been classified as a Variant of Uncertain Significance.